The following is an entry in ClinVar:

NM_000256.3(MYBPC3):c.1466A>T (p.Asp489Val)

Gene: MYBPC3 (myosin binding protein C3; minus strand). Cytogenetic location: 11p11.2.
Variant type: single nucleotide variant.
Coding change: c.1466A>T on transcript NM_000256.3 (MANE Select); coding-DNA position 1466, A replaced by T.
Protein change: p.Asp489Val; replaces aspartic acid 489 with valine.
Molecular consequence: missense variant.
Genome position (GRCh38, 1-based): chr11:47,342,736, T>A on the plus strand (A>T on the coding strand, the complement: MYBPC3 is on the minus strand). VCF-style: chr11-47342736-T-A. GRCh37 (hg19) VCF-style: chr11-47364287-T-A.
Other names: c.1466A>T, p.Asp489Val (LRG_386t1); short protein forms D489V.
Identifiers: ClinVar variation 520448 (VCV000520448.4), dbSNP rs1555122204, ClinGen allele CA380325294.
Genomic context (GRCh38, chr11:47,342,736, plus strand): 5'-CTCTGCCCGTCCTTCTTGAACCGGTATTTGAAGGTCTCCTCCCGGGTCAGCTCCACCCCG[T>A]CCTTCAGCCTAGCCGGGTGGGTGGGTGGCAAGTGCTGTGGCCTCTTCTGGGCAGATGCCC-3'
Protein context (NP_000247.2, residues 479-499): EEGAQVKWLK[Asp489Val]GVELTREETF

ClinVar aggregate classification (germline): Uncertain significance. Review status: criteria provided, multiple submitters, no conflicts (2 of 4 stars). 3 submissions from 3 submitters: Uncertain significance (3). Last evaluated 2025-10-29.

Conditions:
Primary familial hypertrophic cardiomyopathy (HCM). Identifiers: Orphanet 99739, MedGen C0949658, MeSH D024741, MONDO:0024573. Inheritance: Various modes of inheritance.
Hypertrophic cardiomyopathy 4. Also called: Familial hypertrophic cardiomyopathy 4. Identifiers: MedGen C1861862, MONDO:0007268, OMIM 115197.
Hypertrophic cardiomyopathy. Also called: HYPERTROPHIC MYOCARDIOPATHY. Identifiers: Orphanet 217569, MedGen C0007194, MeSH D002312, MONDO:0005045, HP:0001639.

Submissions (3):

Helix
Classification: Uncertain significance for Hypertrophic cardiomyopathy 4. Last evaluated: 2025-10-29. Review status: criteria provided, single submitter. Criteria: ACMG Guidelines, 2015. Collection method: clinical testing. Allele origin: germline. Inheritance: Autosomal dominant inheritance.
Comment: This variant (NM_000256.3:c.1466A>T p.Asp489Val) results in the substitution of aspartic acid with valine at codon 489 in the MYBPC3 protein. It is a rare variant that is absent from the large gnomAD population database (v4.1). To our knowledge, this variant has not been reported in individuals with MYBPC3-related conditions in the published literature. In silico prediction from REVEL (PMID: 27666373) suggests that this variant may be deleterious. This variant is present in ClinVar (Variation ID: 520448). In conclusion, since the available evidence is limited, the clinical significance of this variant is unclear at this time. Therefore, it is classified as a Variant of Uncertain Significance.

Labcorp Genetics (formerly Invitae), Labcorp
Classification: Uncertain significance for Hypertrophic cardiomyopathy. Last evaluated: 2025-07-30. Review status: criteria provided, single submitter. Criteria: Invitae Variant Classification Sherloc (09022015). Collection method: clinical testing. Allele origin: germline.
Comment: This sequence change replaces aspartic acid, which is acidic and polar, with valine, which is neutral and non-polar, at codon 489 of the MYBPC3 protein (p.Asp489Val). This variant is not present in population databases (gnomAD no frequency). This variant has not been reported in the literature in individuals affected with MYBPC3-related conditions. ClinVar contains an entry for this variant (Variation ID: 520448). An algorithm developed to predict the effect of missense changes on protein structure and function (PolyPhen-2) suggests that this variant is likely to be disruptive. In summary, the available evidence is currently insufficient to determine the role of this variant in disease. Therefore, it has been classified as a Variant of Uncertain Significance.

Molecular Diagnostic Laboratory for Inherited Cardiovascular Disease, Montreal Heart Institute
Classification: Uncertain significance for Primary familial hypertrophic cardiomyopathy. Last evaluated: 2016-07-26. Review status: criteria provided, single submitter. Criteria: ACMG Guidelines, 2015. Collection method: clinical testing. Allele origin: germline. Affected: yes.